The following is an entry in ClinVar:

NM_001378454.1(ALMS1):c.6661G>A (p.Val2221Met)

Gene: ALMS1 (ALMS1 centrosome and basal body associated protein; plus strand). Cytogenetic location: 2p13.1.
Variant type: single nucleotide variant.
Coding change: c.6661G>A on transcript NM_001378454.1 (MANE Select); coding-DNA position 6661, G replaced by A.
Protein change: p.Val2221Met; replaces valine 2221 with methionine.
Molecular consequence: missense variant.
Genome position (GRCh38, 1-based): chr2:73,453,188, G>A. VCF-style: chr2-73453188-G-A. GRCh37 (hg19) VCF-style: chr2-73680315-G-A.
Other names: c.6664G>A, p.Val2222Met (NM_015120.4); short protein forms V2221M, V2222M.
Identifiers: ClinVar variation 3893392 (VCV003893392.1).

ClinVar aggregate classification (germline): Uncertain significance (1 of 4 stars; one submission).

gnomAD v4.1: 1 of 1,614,016 alleles (0.000062%); highest among the groups gnomAD compares: East Asian, 0.0022%; no homozygotes.

Submission:

GeneDx
Classification: Uncertain significance. Last evaluated: 2024-10-28. Review status: criteria provided, single submitter. Criteria: GeneDx Variant Classification Process June 2021. Collection method: clinical testing. Allele origin: germline. Affected: yes.
Comment: Not observed at significant frequency in large population cohorts (gnomAD); In silico analysis indicates that this missense variant does not alter protein structure/function; Has not been previously published as pathogenic or benign to our knowledge